The following is an entry in ClinVar:

ClinVar aggregate classification (germline): Uncertain significance (1 of 4 stars; one submission).

Allele frequency attached by ClinVar (database versions not stated): ExAC 0.00001; gnomAD exomes 0.00001.
gnomAD v4.1: 16 of 1,614,154 alleles (0.00099%); highest among the groups gnomAD compares: East Asian, 0.018%; no homozygotes.

Submission:

Labcorp Genetics (formerly Invitae), Labcorp
Classification: Uncertain significance. Last evaluated: 2025-10-09. Review status: criteria provided, single submitter. Criteria: Invitae Variant Classification Sherloc (09022015). Collection method: clinical testing. Allele origin: germline.
Comment: This sequence change replaces arginine, which is basic and polar, with glutamine, which is neutral and polar, at codon 130 of the COL11A2 protein (p.Arg130Gln). This variant is present in population databases (rs773558500, gnomAD 0.007%). This variant has not been reported in the literature in individuals affected with COL11A2-related conditions. ClinVar contains an entry for this variant (Variation ID: 2903044). Invitae Evidence Modeling of protein sequence and biophysical properties (such as structural, functional, and spatial information, amino acid conservation, physicochemical variation, residue mobility, and thermodynamic stability) indicates that this missense variant is not expected to disrupt COL11A2 protein function with a negative predictive value of 95%. In summary, the available evidence is currently insufficient to determine the role of this variant in disease. Therefore, it has been classified as a Variant of Uncertain Significance.

NM_080680.3(COL11A2):c.389G>A (p.Arg130Gln)

Gene: COL11A2 (collagen type XI alpha 2 chain; minus strand). Cytogenetic location: 6p21.32.
Variant type: single nucleotide variant.
Coding change: c.389G>A on transcript NM_080680.3 (MANE Select); coding-DNA position 389, G replaced by A.
Protein change: p.Arg130Gln; replaces arginine 130 with glutamine.
Molecular consequence: missense variant. On other transcripts: 5 prime UTR variant (3), non-coding transcript variant (1).
Genome position (GRCh38, 1-based): chr6:33,189,032, C>T on the plus strand (G>A on the coding strand, the complement: COL11A2 is on the minus strand). VCF-style: chr6-33189032-C-T. GRCh37 (hg19) VCF-style: chr6-33156809-C-T.
Other names: c.389G>A, p.Arg130Gln (NM_001163771.2, NM_001424108.1, NM_080679.3 and 1 more transcripts); c.-458G>A (NM_001424109.1, NM_001424110.1, NM_001424111.1); short protein forms R130Q.
Identifiers: ClinVar variation 2903044 (VCV002903044.3), dbSNP rs773558500, ClinGen allele CA3751681.